The following is an entry in ClinVar:

ClinVar aggregate classification (germline): Uncertain significance (1 of 4 stars; one submission).

Submission:

GeneDx
Classification: Uncertain significance. Last evaluated: 2017-12-12. Review status: criteria provided, single submitter. Criteria: GeneDx Variant Classification (06012015). Collection method: clinical testing. Allele origin: germline. Affected: yes.
Comment: The Q326X variant in the FN1 gene has not been reported previously as a pathogenic variant nor as a benign variant, to our knowledge. This variant is predicted to cause loss of normal protein function either through protein truncation or nonsense-mediated mRNA decay. The Q326X variant was not observed in approximately 6500 individuals of European and African American ancestry in the NHLBI Exome Sequencing Project, indicating it is not a common benign variant in these populations. We interpret Q326X as a variant of of uncertain significance.

NM_212482.4(FN1):c.976C>T (p.Gln326Ter)

Gene: FN1 (fibronectin 1; minus strand). Cytogenetic location: 2q35.
Variant type: single nucleotide variant.
Coding change: c.976C>T on transcript NM_212482.4 (MANE Select); coding-DNA position 976, C replaced by T.
Protein change: p.Gln326Ter; replaces glutamine 326 with a stop codon.
Molecular consequence: nonsense.
Genome position (GRCh38, 1-based): chr2:215,425,154, G>A on the plus strand (C>T on the coding strand, the complement: FN1 is on the minus strand). VCF-style: chr2-215425154-G-A. GRCh37 (hg19) VCF-style: chr2-216289877-G-A.
Other names: c.976C>T, p.Gln326Ter (NM_001306129.2, NM_001306130.2, NM_001306131.2 and 14 more transcripts); short protein forms Q326*.
Identifiers: ClinVar variation 373301 (VCV000373301.2), dbSNP rs1057518335, ClinGen allele CA16042387.
Genomic context (GRCh38, chr2:215,425,154, plus strand): 5'-CTGTCTCTTGGCAGCTGACTCCGTTGCCCAGGCACGTGCAAAGCATTTGCTTATTTCCTT[G>A]TGTCTTCAGCCACTGCATCCCCACAGAGTAGACCACACCACTGTCTGTGACACAGTGGCC-3'